The following is an entry in ClinVar:

ClinVar aggregate classification (germline): Uncertain significance (1 of 4 stars; one submission).

Conditions:
Intellectual developmental disorder, autosomal dominant 1. Also called: MBD5 Haploinsufficiency; Intellectual disability, autosomal dominant 1. Identifiers: Orphanet 228402, MedGen C1969562, MONDO:0007974, OMIM 156200.

Submission:

Labcorp Genetics (formerly Invitae), Labcorp
Classification: Uncertain significance for Intellectual developmental disorder, autosomal dominant 1. Last evaluated: 2025-04-09. Review status: criteria provided, single submitter. Criteria: Invitae Variant Classification Sherloc (09022015). Collection method: clinical testing. Allele origin: germline.
Comment: This sequence change replaces glycine, which is neutral and non-polar, with arginine, which is basic and polar, at codon 179 of the MBD5 protein (p.Gly179Arg). This variant is not present in population databases (gnomAD no frequency). This variant has not been reported in the literature in individuals affected with MBD5-related conditions. Invitae Evidence Modeling of protein sequence and biophysical properties (such as structural, functional, and spatial information, amino acid conservation, physicochemical variation, residue mobility, and thermodynamic stability) indicates that this missense variant is not expected to disrupt MBD5 protein function with a negative predictive value of 80%. In summary, the available evidence is currently insufficient to determine the role of this variant in disease. Therefore, it has been classified as a Variant of Uncertain Significance.

NM_001378120.1(MBD5):c.535G>A (p.Gly179Arg)

Gene: MBD5 (methyl-CpG binding domain protein 5; plus strand). Cytogenetic location: 2q23.1.
Variant type: single nucleotide variant.
Coding change: c.535G>A on transcript NM_001378120.1 (MANE Select); coding-DNA position 535, G replaced by A.
Protein change: p.Gly179Arg; replaces glycine 179 with arginine.
Molecular consequence: missense variant.
Genome position (GRCh38, 1-based): chr2:148,468,478, G>A. VCF-style: chr2-148468478-G-A. GRCh37 (hg19) VCF-style: chr2-149226047-G-A.
Other names: c.535G>A, p.Gly179Arg (NM_001438854.1, NM_001438855.1, NM_001438856.1 and 7 more transcripts); short protein forms G179R.
Identifiers: ClinVar variation 4807244 (VCV004807244.1).